The following is an entry in ClinVar:

ClinVar aggregate classification (germline): Uncertain significance (1 of 4 stars; one submission).

Submission:

Labcorp Genetics (formerly Invitae), Labcorp
Classification: Uncertain significance. Last evaluated: 2022-09-01. Review status: criteria provided, single submitter. Criteria: Invitae Variant Classification Sherloc (09022015). Collection method: clinical testing. Allele origin: germline.
Comment: This variant has not been reported in the literature in individuals affected with ASPM-related conditions. In summary, the available evidence is currently insufficient to determine the role of this variant in disease. Therefore, it has been classified as a Variant of Uncertain Significance. Algorithms developed to predict the effect of missense changes on protein structure and function output the following: SIFT: "Tolerated"; PolyPhen-2: "Benign"; Align-GVGD: "Class C0". The aspartic acid amino acid residue is found in multiple mammalian species, which suggests that this missense change does not adversely affect protein function. ClinVar contains an entry for this variant (Variation ID: 1379010). This variant is not present in population databases (gnomAD no frequency). This sequence change replaces tyrosine, which is neutral and polar, with aspartic acid, which is acidic and polar, at codon 558 of the ASPM protein (p.Tyr558Asp).

NM_018136.5(ASPM):c.1672T>G (p.Tyr558Asp)

Gene: ASPM (assembly factor for spindle microtubules; minus strand). Cytogenetic location: 1q31.3.
Variant type: single nucleotide variant.
Coding change: c.1672T>G on transcript NM_018136.5 (MANE Select); coding-DNA position 1672, T replaced by G.
Protein change: p.Tyr558Asp; replaces tyrosine 558 with aspartic acid.
Molecular consequence: missense variant.
Genome position (GRCh38, 1-based): chr1:197,142,580, A>C on the plus strand (T>G on the coding strand, the complement: ASPM is on the minus strand). VCF-style: chr1-197142580-A-C. GRCh37 (hg19) VCF-style: chr1-197111710-A-C.
Other names: c.1672T>G, p.Tyr558Asp (NM_001206846.2); short protein forms Y558D.
Identifiers: ClinVar variation 1379010 (VCV001379010.8), dbSNP rs1386556330, ClinGen allele CA344014966.
Genomic context (GRCh38, chr1:197,142,580, plus strand): 5'-CGCTCTTTCTTTTCCGAGCAACTGAAGCTGTTGTCGAAGAGGGTGTTACCTCGTTTTTAT[A>C]ACTCTTAGATTTACTTAATATTGGATCTATAATTGGAAGATAAGAATGAAAATCTTCTTT-3'
Protein context (NP_060606.3, residues 548-568): IDPILSKSKS[Tyr558Asp]KNEVTPSSTT